The following is an entry in ClinVar:

NM_001103.4(ACTN2):c.795G>A (p.Ala265=)

Gene: ACTN2 (actinin alpha 2; plus strand). Cytogenetic location: 1q43.
Variant type: single nucleotide variant.
Coding change: c.795G>A on transcript NM_001103.4 (MANE Select); coding-DNA position 795, G replaced by A.
Protein change: p.Ala265=; no amino-acid change (alanine 265 retained).
Molecular consequence: synonymous variant.
Genome position (GRCh38, 1-based): chr1:236,737,133, G>A. VCF-style: chr1-236737133-G-A. GRCh37 (hg19) VCF-style: chr1-236900433-G-A.
Other names: c.795G>A, p.Ala265= (NM_001278343.2); c.171G>A, p.Ala57= (NM_001278344.2).
Identifiers: ClinVar variation 227175 (VCV000227175.17), dbSNP rs757253639, ClinGen allele CA1472972.

ClinVar aggregate classification (germline): Likely benign. Review status: criteria provided, multiple submitters, no conflicts (2 of 4 stars). 5 submissions from 5 submitters: Likely benign (5). Last evaluated 2026-08-03.

Conditions:
ACTN2-related disorder. Also called: ACTN2-related disorders; ACTN2 related condition.
Cardiovascular phenotype. Identifiers: MedGen CN230736.
Dilated cardiomyopathy 1AA (CMD1AA). Also called: CARDIOMYOPATHY, DILATED, 1AA, WITH OR WITHOUT LEFT VENTRICULAR NONCOMPACTION; CARDIOMYOPATHY, FAMILIAL HYPERTROPHIC, 23, WITH OR WITHOUT LEFT VENTRICULAR NONCOMPACTION; Cardiomyopathy, dilated, 1AA, with or without LVNC. Identifiers: Orphanet 154, MedGen C2677338, MONDO:0012808, OMIM 612158.
Primary familial hypertrophic cardiomyopathy (HCM). Identifiers: Orphanet 99739, MedGen C0949658, MeSH D024741, MONDO:0024573. Inheritance: Various modes of inheritance.

Allele frequency attached by ClinVar (database versions not stated): gnomAD exomes 0.00001 and 0.00002; ExAC 0.00003; TOPMed 0.00003; gnomAD 0.00004.
gnomAD v4.1: 25 of 1,601,480 alleles (0.0016%); highest among the groups gnomAD compares: African/African-American, 0.0067%; no homozygotes.

Submissions (5):

PreventionGenetics, part of Exact Sciences
Classification: Likely benign for ACTN2-related condition. Last evaluated: 2026-08-03. Review status: criteria provided, single submitter. Criteria: ACMG Guidelines, 2015. Collection method: clinical testing. Allele origin: germline.
Comment: This variant is classified as likely benign based on ACMG/AMP sequence variant interpretation guidelines (Richards et al. 2015 PMID: 25741868, with internal and published modifications).

Labcorp Genetics (formerly Invitae), Labcorp
Classification: Likely benign for Primary familial hypertrophic cardiomyopathy; Dilated cardiomyopathy 1AA. Last evaluated: 2025-12-14. Review status: criteria provided, single submitter. Criteria: Invitae Variant Classification Sherloc (09022015). Collection method: clinical testing. Allele origin: germline.

Ambry Genetics
Classification: Likely benign for Cardiovascular phenotype. Last evaluated: 2022-07-05. Review status: criteria provided, single submitter. Criteria: Ambry Variant Classification Scheme 2023. Collection method: clinical testing. Allele origin: germline.

GeneDx
Classification: Likely benign. Last evaluated: 2018-03-02. Review status: criteria provided, single submitter. Criteria: GeneDx Variant Classification (06012015). Collection method: clinical testing. Allele origin: germline. Affected: yes.
Comment: This variant is considered likely benign or benign based on one or more of the following criteria: it is a conservative change, it occurs at a poorly conserved position in the protein, it is predicted to be benign by multiple in silico algorithms, and/or has population frequency not consistent with disease.

Laboratory for Molecular Medicine, Mass General Brigham Personalized Medicine
Classification: Likely benign. Last evaluated: 2016-04-01. Review status: criteria provided, single submitter. Criteria: LMM Criteria. Collection method: clinical testing. Allele origin: germline. Observed: 1 variant allele.
Comment: p.Ala265Ala in exon 9 of ACTN2: This variant is not expected to have clinical si gnificance because it does not alter an amino acid residue and is not located wi thin the splice consensus sequence. It has been identified in 1/66198 European c hromosomes by the Exome Aggregation Consortium (ExAC .org; dbSNP rs757253639).